The following is an entry in ClinVar:

ClinVar aggregate classification (germline): Pathogenic. Review status: criteria provided, multiple submitters, no conflicts (2 of 4 stars). 2 submissions from 2 submitters: Pathogenic (2). Last evaluated 2022-08-15.

Conditions:
Inborn genetic diseases. Identifiers: MedGen C0950123, MeSH D030342.
Spastic paraplegia. Identifiers: MedGen C0037772, HP:0001258.

Submissions (2):

Labcorp Genetics (formerly Invitae), Labcorp
Classification: Pathogenic for Spastic paraplegia. Last evaluated: 2022-08-15. Review status: criteria provided, single submitter. Criteria: Invitae Variant Classification Sherloc (09022015). Collection method: clinical testing. Allele origin: germline.
Comment: For these reasons, this variant has been classified as Pathogenic. ClinVar contains an entry for this variant (Variation ID: 986020). This variant has not been reported in the literature in individuals affected with KDM5C-related conditions. This variant is not present in population databases (gnomAD no frequency). This sequence change creates a premature translational stop signal (p.Gln859*) in the KDM5C gene. It is expected to result in an absent or disrupted protein product. Loss-of-function variants in KDM5C are known to be pathogenic (PMID: 15586325, 18697827).

Ambry Genetics
Classification: Pathogenic for Inborn genetic diseases. Last evaluated: 2020-01-07. Review status: criteria provided, single submitter. Criteria: Ambry Variant Classification Scheme 2023. Collection method: clinical testing. Allele origin: germline.
Comment: The alteration results in a premature stop codon: _x000D_ _x000D_ The c.2575C>T (p.Q859*) alteration, located in coding exon 18 of the KDM5C gene, results from a C to T substitution at nucleotide position 2575. This changes the amino acid from a glutamine (Q) to a stop codon at amino acid position 859. This alteration is expected to result in loss of function by premature protein truncation or nonsense-mediated mRNA decay. The alteration is not observed in population databases: _x000D_ _x000D_ Based on data from the Genome Aggregation Database (gnomAD), the KDM5C c.2575C>T alteration was not observed, with coverage at this position. Based on the available evidence, this alteration is classified as pathogenic.

Literature cited by the submitters: PubMed 15586325 (cited by Labcorp Genetics (formerly Invitae), Labcorp); PubMed 18697827 (cited by Labcorp Genetics (formerly Invitae), Labcorp).

NM_004187.5(KDM5C):c.2575C>T (p.Gln859Ter)

Gene: KDM5C (lysine demethylase 5C; minus strand). Cytogenetic location: Xp11.22.
Variant type: single nucleotide variant.
Coding change: c.2575C>T on transcript NM_004187.5 (MANE Select); coding-DNA position 2575, C replaced by T.
Protein change: p.Gln859Ter; replaces glutamine 859 with a stop codon.
Molecular consequence: nonsense. On other transcripts: non-coding transcript variant (3).
Genome position (GRCh38, 1-based): chrX:53,197,818, G>A on the plus strand (C>T on the coding strand, the complement: KDM5C is on the minus strand). VCF-style: chrX-53197818-G-A. GRCh37 (hg19) VCF-style: chrX-53227000-G-A.
Other names: c.2374C>T, p.Gln792Ter (NM_001146702.2); c.2572C>T, p.Gln858Ter (NM_001282622.3, NM_001353979.2, NM_001353982.2); c.2575C>T, p.Gln859Ter (NM_001353978.3, NM_001353981.2, NM_001353984.2); short protein forms Q792*, Q858*, Q859*.
Identifiers: ClinVar variation 986020 (VCV000986020.8), dbSNP rs1556838661, ClinGen allele CA413116568.